The following is an entry in ClinVar:

NM_024675.4(PALB2):c.1796G>C (p.Ser599Thr)

Gene: PALB2 (partner and localizer of BRCA2; minus strand). Cytogenetic location: 16p12.2.
Variant type: single nucleotide variant.
Coding change: c.1796G>C on transcript NM_024675.4 (MANE Select); coding-DNA position 1796, G replaced by C.
Protein change: p.Ser599Thr; replaces serine 599 with threonine.
Molecular consequence: missense variant. On other transcripts: intron variant (1).
Genome position (GRCh38, 1-based): chr16:23,630,358, C>G on the plus strand (G>C on the coding strand, the complement: PALB2 is on the minus strand). VCF-style: chr16-23630358-C-G. GRCh37 (hg19) VCF-style: chr16-23641679-C-G.
Other names: c.1736G>C, p.Ser579Thr (NM_001407296.1); c.1796G>C, p.Ser599Thr (NM_001407297.1, NM_001407298.1, NM_001407299.1 and 3 more transcripts); c.911G>C, p.Ser304Thr (NM_001407304.1, NM_001407305.1, NM_001407306.1 and 5 more transcripts); c.8G>C, p.Ser3Thr (NM_001407312.1, NM_001407313.1); c.49-1083G>C (NM_001407314.1); short protein forms S304T, S3T, S579T, S599T.
Identifiers: ClinVar variation 3068769 (VCV003068769.4), dbSNP rs1486577055, ClinGen allele CA395128067.

ClinVar aggregate classification (germline): Uncertain significance. Review status: criteria provided, multiple submitters, no conflicts (2 of 4 stars). 2 submissions from 2 submitters: Uncertain significance (2). Last evaluated 2024-12-10.

Conditions:
Familial cancer of breast. Also called: Hereditary breast cancer; BREAST CANCER, FAMILIAL; hereditary breast carcinoma. Identifiers: Orphanet 227535, MedGen C0346153, MONDO:0016419, OMIM 114480. Disease mechanism: loss of function.

Allele frequency attached by ClinVar (database versions not stated): gnomAD exomes below 0.00001.
gnomAD v4.1: 2 of 1,614,148 alleles (0.00012%); highest among the groups gnomAD compares: South Asian, 0.0022%; no homozygotes.

Submissions (2):

Labcorp Genetics (formerly Invitae), Labcorp
Classification: Uncertain significance for Familial cancer of breast. Last evaluated: 2024-12-10. Review status: criteria provided, single submitter. Criteria: Invitae Variant Classification Sherloc (09022015). Collection method: clinical testing. Allele origin: germline.
Comment: This sequence change replaces serine, which is neutral and polar, with threonine, which is neutral and polar, at codon 599 of the PALB2 protein (p.Ser599Thr). This variant is present in population databases (no rsID available, gnomAD 0.006%). This variant has not been reported in the literature in individuals affected with PALB2-related conditions. ClinVar contains an entry for this variant (Variation ID: 3068769). Invitae Evidence Modeling of protein sequence and biophysical properties (such as structural, functional, and spatial information, amino acid conservation, physicochemical variation, residue mobility, and thermodynamic stability) indicates that this missense variant is not expected to disrupt PALB2 protein function with a negative predictive value of 80%. In summary, the available evidence is currently insufficient to determine the role of this variant in disease. Therefore, it has been classified as a Variant of Uncertain Significance.

Women's Health and Genetics/Laboratory Corporation of America, LabCorp
Classification: Uncertain significance. Last evaluated: 2024-02-22. Review status: criteria provided, single submitter. Criteria: LabCorp Variant Classification Summary - May 2015. Collection method: clinical testing. Allele origin: germline.
Comment: Variant summary: PALB2 c.1796G>C (p.Ser599Thr) results in a conservative amino acid change in the encoded protein sequence. Four of five in-silico tools predict a benign effect of the variant on protein function. The variant allele was found at a frequency of 8e-06 in 251306 control chromosomes (gnomAD). The available data on variant occurrences in the general population are insufficient to allow any conclusion about variant significance. To our knowledge, no occurrence of c.1796G>C in individuals affected with Breast Cancer and no experimental evidence demonstrating its impact on protein function have been reported. No submitters have cited clinical-significance assessments for this variant to ClinVar. Based on the evidence outlined above, the variant was classified as uncertain significance.